The following is an entry in ClinVar:

NM_000875.5(IGF1R):c.3187-2A>T

Gene: IGF1R (insulin like growth factor 1 receptor; plus strand). Cytogenetic location: 15q26.3.
Variant type: single nucleotide variant.
Coding change: c.3187-2A>T on transcript NM_000875.5 (MANE Select); the canonical splice acceptor site of the intron before coding-DNA position 3187, A replaced by T.
Molecular consequence: splice acceptor variant.
Genome position (GRCh38, 1-based): chr15:98,935,314, A>T. VCF-style: chr15-98935314-A-T. GRCh37 (hg19) VCF-style: chr15-99478543-A-T.
Other names: c.3184-2A>T (NM_001291858.2).
Identifiers: ClinVar variation 282227 (VCV000282227.6), dbSNP rs886042346, ClinGen allele CA10604111.
Genomic context (GRCh38, chr15:98,935,314, plus strand): 5'-AACACAGGCATCAGCAAGGGCCACCTGACCCTCTGAGTCTTTCTCTTTTTGATTCCTCCC[A>T]GGTGCGATTGCTGGGTGTGGTGTCCCAAGGCCAGCCAACACTGGTCATCATGGAACTGAT-3'

ClinVar aggregate classification (germline): Likely pathogenic. Review status: criteria provided, multiple submitters, no conflicts (2 of 4 stars). 2 submissions from 2 submitters: Likely pathogenic (2). Last evaluated 2022-12-02.

Submissions (2):

GeneDx
Classification: Likely pathogenic. Last evaluated: 2022-12-02. Review status: criteria provided, single submitter. Criteria: GeneDx Variant Classification Process June 2021. Collection method: clinical testing. Allele origin: germline. Affected: yes.
Comment: Canonical splice site variant expected to result in aberrant splicing, although in the absence of functional evidence the actual effect of this sequence change is unknown.; Not observed in large population cohorts (gnomAD); Has not been previously published as pathogenic or benign to our knowledge

Eurofins Ntd Llc (ga)
Classification: Likely pathogenic. Last evaluated: 2015-08-21. Review status: criteria provided, single submitter. Criteria: EGL Classification Definitions 2015. Collection method: clinical testing. Allele origin: germline. Observed: 1 variant allele, 1 heterozygote.